The following is an entry in ClinVar:

NM_000038.6(APC):c.7364A>T (p.Lys2455Ile)

Gene: APC (APC regulator of Wnt signaling pathway; plus strand). Cytogenetic location: 5q22.2.
Variant type: single nucleotide variant.
Coding change: c.7364A>T on transcript NM_000038.6 (MANE Select); coding-DNA position 7364, A replaced by T.
Protein change: p.Lys2455Ile; replaces lysine 2455 with isoleucine.
Molecular consequence: missense variant. On other transcripts: non-coding transcript variant (2).
Genome position (GRCh38, 1-based): chr5:112,842,958, A>T. VCF-style: chr5-112842958-A-T. GRCh37 (hg19) VCF-style: chr5-112178655-A-T.
Other names: c.7364A>T, p.Lys2455Ile (NM_001127510.3, NM_001354895.2, NM_001407450.1); c.7310A>T, p.Lys2437Ile (NM_001127511.3); c.7418A>T, p.Lys2473Ile (NM_001354896.2, NM_001407447.1, NM_001407448.1 and 1 more transcripts); c.7394A>T, p.Lys2465Ile (NM_001354897.2); c.7289A>T, p.Lys2430Ile (NM_001354898.2); c.7280A>T, p.Lys2427Ile (NM_001354899.2); c.7241A>T, p.Lys2414Ile (NM_001354900.2); c.7187A>T, p.Lys2396Ile (NM_001354901.2, NM_001407453.1); and 11 more; short protein forms K2364I, K2372I, K2448I, K2455I, K2465I, K2172I, K2329I, K2445I.
Identifiers: ClinVar variation 2820925 (VCV002820925.3), dbSNP rs2149985387, ClinGen allele CA16037371.
Genomic context (GRCh38, chr5:112,842,958, plus strand): 5'-CTGTATTAGTACGCCAGTCAACTTTCATCAAAGAAGCTCCAAGCCCAACCTTAAGAAGAA[A>T]ATTGGAGGAATCTGCTTCATTTGAATCTCTTTCTCCATCATCTAGACCAGCTTCTCCCAC-3'
Protein context (NP_000029.2, residues 2445-2465): KEAPSPTLRR[Lys2455Ile]LEESASFESL

ClinVar aggregate classification (germline): Uncertain significance (1 of 4 stars; one submission).

Conditions:
Familial adenomatous polyposis 1 (FAP1). Also called: FAMILIAL ADENOMATOUS POLYPOSIS 1, ATTENUATED; POLYPOSIS, ADENOMATOUS INTESTINAL. Identifiers: MedGen C2713442, MONDO:0021056, OMIM 175100. Disease mechanism: loss of function.

Submission:

Labcorp Genetics (formerly Invitae), Labcorp
Classification: Uncertain significance for Familial adenomatous polyposis 1. Last evaluated: 2022-12-15. Review status: criteria provided, single submitter. Criteria: Invitae Variant Classification Sherloc (09022015). Collection method: clinical testing. Allele origin: germline.
Comment: In summary, the available evidence is currently insufficient to determine the role of this variant in disease. Therefore, it has been classified as a Variant of Uncertain Significance. Advanced modeling of protein sequence and biophysical properties (such as structural, functional, and spatial information, amino acid conservation, physicochemical variation, residue mobility, and thermodynamic stability) performed at Invitae indicates that this missense variant is not expected to disrupt APC protein function. This variant has not been reported in the literature in individuals affected with APC-related conditions. This variant is not present in population databases (gnomAD no frequency). This sequence change replaces lysine, which is basic and polar, with isoleucine, which is neutral and non-polar, at codon 2455 of the APC protein (p.Lys2455Ile).